The following is an entry in ClinVar:

ClinVar aggregate classification (germline): Likely benign. Review status: criteria provided, single submitter (1 of 4 stars). 2 submissions from 2 submitters: Likely benign (1). 1 of the submissions does not count toward it. Last evaluated 2025-08-29.

Conditions:
NTRK2-related disorder. Also called: NTRK2-related condition.

gnomAD v4.1: 2 of 1,614,150 alleles (0.00012%); highest among the groups gnomAD compares: African/African-American, 0.0013%; no homozygotes.

Submissions (2):

Labcorp Genetics (formerly Invitae), Labcorp
Classification: Likely benign. Last evaluated: 2025-08-29. Review status: criteria provided, single submitter. Criteria: Invitae Variant Classification Sherloc (09022015). Collection method: clinical testing. Allele origin: germline.

PreventionGenetics, part of Exact Sciences
Classification: Likely benign for NTRK2-related condition. Last evaluated: 2022-10-26. Review status: no assertion criteria provided. Collection method: clinical testing. Allele origin: germline. Not counted in ClinVar's aggregate classification.
Comment: This variant is classified as likely benign based on ACMG/AMP sequence variant interpretation guidelines (Richards et al. 2015 PMID: 25741868, with internal and published modifications).

NM_006180.6(NTRK2):c.1101T>C (p.Tyr367=)

Gene: NTRK2 (neurotrophic receptor tyrosine kinase 2; plus strand). Cytogenetic location: 9q21.33.
Variant type: single nucleotide variant.
Coding change: c.1101T>C on transcript NM_006180.6 (MANE Select); coding-DNA position 1101, T replaced by C.
Protein change: p.Tyr367=; no amino-acid change (tyrosine 367 retained).
Molecular consequence: synonymous variant.
Genome position (GRCh38, 1-based): chr9:84,727,901, T>C. VCF-style: chr9-84727901-T-C. GRCh37 (hg19) VCF-style: chr9-87342816-T-C.
Other names: c.1101T>C, p.Tyr367= (NM_001369549.1, NM_001007097.3, NM_001018064.3 and 16 more transcripts); c.633T>C, p.Tyr211= (NM_001369550.1, NM_001369551.1, NM_001369552.1 and 2 more transcripts); c.1062T>C, p.Tyr354= (NM_001291937.2, NM_001369546.1).
Identifiers: ClinVar variation 3354047 (VCV003354047.2).